The following is an entry in ClinVar:

NM_006031.6(PCNT):c.365T>A (p.Val122Asp)

Gene: PCNT (pericentrin; plus strand). Cytogenetic location: 21q22.3.
Variant type: single nucleotide variant.
Coding change: c.365T>A on transcript NM_006031.6 (MANE Select); coding-DNA position 365, T replaced by A.
Protein change: p.Val122Asp; replaces valine 122 with aspartic acid.
Molecular consequence: missense variant.
Genome position (GRCh38, 1-based): chr21:46,334,494, T>A. VCF-style: chr21-46334494-T-A. GRCh37 (hg19) VCF-style: chr21-47754408-T-A.
Other names: c.11T>A, p.Val4Asp (NM_001315529.2); short protein forms V122D, V4D.
Identifiers: ClinVar variation 4990359 (VCV004990359.1).

ClinVar aggregate classification (germline): Uncertain significance (1 of 4 stars; one submission).

Conditions:
PCNT-related disorder. Also called: PCNT-related condition.

gnomAD v4.1: 1 of 1,612,756 alleles (0.000062%); highest among the groups gnomAD compares: Admixed American, 0.0017%; no homozygotes.

Submission:

PreventionGenetics, part of Exact Sciences
Classification: Uncertain significance for PCNT-related condition. Last evaluated: 2026-07-06. Review status: criteria provided, single submitter. Criteria: ACMG Guidelines, 2015. Collection method: clinical testing. Allele origin: germline.
Comment: The PCNT c.365T>A variant is predicted to result in the amino acid substitution p.Val122Asp. To our knowledge, this variant has not been reported in the literature. This variant is reported in 0.0029% of alleles in individuals of Latino descent in gnomAD. At this time, the clinical significance of this variant is uncertain due to the absence of conclusive functional and genetic evidence.